The following is an entry in ClinVar:

NM_001367561.1(DOCK7):c.3626A>G (p.His1209Arg)

Gene: DOCK7 (dedicator of cytokinesis 7; minus strand). Cytogenetic location: 1p31.3.
Variant type: single nucleotide variant.
Coding change: c.3626A>G on transcript NM_001367561.1 (MANE Select); coding-DNA position 3626, A replaced by G.
Protein change: p.His1209Arg; replaces histidine 1209 with arginine.
Molecular consequence: missense variant.
Genome position (GRCh38, 1-based): chr1:62,529,432, T>C on the plus strand (A>G on the coding strand, the complement: DOCK7 is on the minus strand). VCF-style: chr1-62529432-T-C. GRCh37 (hg19) VCF-style: chr1-62995103-T-C.
Other names: c.3626A>G, p.His1209Arg (NM_001271999.2, NM_001330614.2); c.3533A>G, p.His1178Arg (NM_001272000.2, NM_001272001.2, NM_033407.4); c.3533A>G (NM_033407.2); short protein forms H1178R, H1209R.
Identifiers: ClinVar variation 962739 (VCV000962739.8), dbSNP rs776656811, ClinGen allele CA23737462.

ClinVar aggregate classification (germline): Uncertain significance. Review status: criteria provided, multiple submitters, no conflicts (2 of 4 stars). 3 submissions from 3 submitters: Uncertain significance (3). Last evaluated 2024-06-24.

Conditions:
Developmental and epileptic encephalopathy, 23 (DEE23). Also called: Epileptic encephalopathy, early infantile, 23. Identifiers: Orphanet 411986, MedGen C4014492, MONDO:0014371, OMIM 615859.
Inborn genetic diseases. Identifiers: MedGen C0950123, MeSH D030342.

Allele frequency attached by ClinVar (database versions not stated): gnomAD 0.00001; gnomAD exomes 0.00002; TOPMed 0.00002.
gnomAD v4.1: 27 of 1,610,170 alleles (0.0017%); highest among the groups gnomAD compares: Admixed American, 0.0068%; no homozygotes.

Submissions (3):

GeneDx
Classification: Uncertain significance. Last evaluated: 2024-06-24. Review status: criteria provided, single submitter. Criteria: GeneDx Variant Classification Process June 2021. Collection method: clinical testing. Allele origin: germline. Affected: yes.
Comment: Not observed at significant frequency in large population cohorts (gnomAD); In silico analysis supports that this missense variant has a deleterious effect on protein structure/function; Has not been previously published as pathogenic or benign to our knowledge

Labcorp Genetics (formerly Invitae), Labcorp
Classification: Uncertain significance for Developmental and epileptic encephalopathy, 23. Last evaluated: 2024-05-27. Review status: criteria provided, single submitter. Criteria: Invitae Variant Classification Sherloc (09022015). Collection method: clinical testing. Allele origin: germline.
Comment: This sequence change replaces histidine, which is basic and polar, with arginine, which is basic and polar, at codon 1209 of the DOCK7 protein (p.His1209Arg). This variant is not present in population databases (gnomAD no frequency). This variant has not been reported in the literature in individuals affected with DOCK7-related conditions. ClinVar contains an entry for this variant (Variation ID: 962739). Advanced modeling of protein sequence and biophysical properties (such as structural, functional, and spatial information, amino acid conservation, physicochemical variation, residue mobility, and thermodynamic stability) has been performed at Invitae for this missense variant, however the output from this modeling did not meet the statistical confidence thresholds required to predict the impact of this variant on DOCK7 protein function. In summary, the available evidence is currently insufficient to determine the role of this variant in disease. Therefore, it has been classified as a Variant of Uncertain Significance.

Ambry Genetics
Classification: Uncertain significance for Inborn genetic diseases. Last evaluated: 2024-01-30. Review status: criteria provided, single submitter. Criteria: Ambry Variant Classification Scheme 2023. Collection method: clinical testing. Allele origin: germline.